The following is an entry in ClinVar:

NM_001005242.3(PKP2):c.1557-7del

Gene: PKP2 (plakophilin 2; minus strand). Cytogenetic location: 12p11.21.
Variant type: Deletion.
Coding change: c.1557-7del on transcript NM_001005242.3 (MANE Select); 7 bases into the intron before coding-DNA position 1557, one base deleted (C; older notation c.1557-7delC).
Molecular consequence: intron variant.
Genome position (GRCh38, 1-based): chr12:32,824,169, G deleted on the plus strand (C on the coding strand, the reverse complement: PKP2 is on the minus strand). VCF-style (leftmost placement, unchanged base first): chr12-32824168-AG-A. GRCh37 (hg19) VCF-style: chr12-32977102-AG-A.
Other names: c.1689-7del (NM_004572.4).
Identifiers: ClinVar variation 1481967 (VCV001481967.9), dbSNP rs1258853212, ClinGen allele CA604225998.
Genomic context (GRCh38, chr12:32,824,168, plus strand): 5'-TCCGTCACATCTTCTCATCGCTTTTCTCCCATCAGCGCCAGCAGAACTCATGTTTCTATC[AG>A]AAAAAACAAAAAACAAAAAAGTAAGTCTAGGCTGTGTATCCAACAGGTCTTTGTTTTGAA-3'

ClinVar aggregate classification (germline): Conflicting classifications of pathogenicity. Review status: criteria provided, conflicting classifications (1 of 4 stars). 2 submissions from 2 submitters: Uncertain significance (1); Likely benign (1). Last evaluated 2024-05-31.

Conditions:
Arrhythmogenic right ventricular cardiomyopathy (ARVD). Also called: Cardiomyopathy, ARVC; Arrhythmogenic right ventricular dysplasia; Arrhythmogenic cardiomyopathy; Arrhythmogenic Right Ventricular Cardiomyopathy (ARVC). Identifiers: Orphanet 247, MedGen C0349788, MeSH D019571, MONDO:0016587. Disease mechanism: loss of function. Inheritance: Various modes of inheritance.
Arrhythmogenic right ventricular dysplasia 9 (ARVD9). Also called: Arrhythmogenic Right Ventricular Dysplasia/Cardiomyopathy 9; ARRHYTHMOGENIC RIGHT VENTRICULAR DYSPLASIA, FAMILIAL, 9. Identifiers: MedGen C1836906, MONDO:0012180, OMIM 609040.

Allele frequency attached by ClinVar (database versions not stated): gnomAD 0.00001; TOPMed 0.00001.

Submissions (2):

Labcorp Genetics (formerly Invitae), Labcorp
Classification: Likely benign for Arrhythmogenic right ventricular dysplasia 9. Last evaluated: 2024-05-31. Review status: criteria provided, single submitter. Criteria: Invitae Variant Classification Sherloc (09022015). Collection method: clinical testing. Allele origin: germline.

All of Us Research Program, National Institutes of Health
Classification: Uncertain significance for Arrhythmogenic right ventricular cardiomyopathy. Last evaluated: 2023-06-08. Review status: criteria provided, single submitter. Criteria: ACMG Guidelines, 2015. Collection method: clinical testing. Allele origin: germline. Inheritance: Autosomal dominant inheritance. Observed: 1 variant allele, 1 heterozygote.
Comment: This variant causes deletion of 1 nucleotide in intron 7 of the PKP2 gene. To our knowledge, functional studies have not been reported for this variant. This variant has not been reported in individuals affected with PKP2-related disorders in the literature. This variant has been identified in 1/31374 chromosomes in the general population by the Genome Aggregation Database (gnomAD). The available evidence is insufficient to determine the role of this variant in disease conclusively. Therefore, this variant is classified as a Variant of Uncertain Significance.

This study involves interpretation of variants in research participants for the purpose of population health screening. Participant phenotype was not available at the time of variant classification. Additional details can be found in publication PMID: 35346344, PMCID: PMC8962531